The following is an entry in ClinVar:

NM_020975.6(RET):c.773T>A (p.Phe258Tyr)

Gene: RET (ret proto-oncogene; plus strand). Cytogenetic location: 10q11.21.
Variant type: single nucleotide variant.
Coding change: c.773T>A on transcript NM_020975.6 (MANE Select); coding-DNA position 773, T replaced by A.
Protein change: p.Phe258Tyr; replaces phenylalanine 258 with tyrosine.
Molecular consequence: missense variant. On other transcripts: intron variant (22).
Genome position (GRCh38, 1-based): chr10:43,105,099, T>A. VCF-style: chr10-43105099-T-A. GRCh37 (hg19) VCF-style: chr10-43600547-T-A.
Other names: c.773T>A, p.Phe258Tyr (NM_000323.2, NM_001406743.1, NM_001406744.1 and 8 more transcripts); c.11T>A, p.Phe4Tyr (NM_001355216.2); c.644T>A, p.Phe215Tyr (NM_001406761.1, NM_001406762.1, NM_001406764.1 and 2 more transcripts); c.485T>A, p.Phe162Tyr (NM_001406766.1, NM_001406767.1, NM_001406770.1); c.625+2470T>A (NM_001406773.1, NM_001406771.1, NM_001406782.1 and 5 more transcripts); c.496+2470T>A (NM_001406786.1, NM_001406783.1); c.338-3932T>A (NM_001406778.1, NM_001406775.1, NM_001406776.1 and 1 more transcripts); c.337+4377T>A (NM_001406790.1, NM_001406788.1, NM_001406789.1 and 1 more transcripts); and 2 more; short protein forms F162Y, F215Y, F258Y, F4Y.
Identifiers: ClinVar variation 2801337 (VCV002801337.4), dbSNP rs1837735577, ClinGen allele CA376544986.

ClinVar aggregate classification (germline): Uncertain significance. Review status: criteria provided, multiple submitters, no conflicts (2 of 4 stars). 2 submissions from 2 submitters: Uncertain significance (2). Last evaluated 2025-01-11.

Conditions:
Multiple endocrine neoplasia, type 2 (MEN2). Identifiers: Orphanet 653, MedGen C4048306, MONDO:0019003. Disease mechanism: gain of function.
Hereditary cancer-predisposing syndrome. Also called: Hereditary neoplastic syndrome; Neoplastic Syndromes, Hereditary; Hereditary Cancer Syndrome; Tumor predisposition. Identifiers: Orphanet 140162, MedGen C0027672, MeSH D009386, MONDO:0015356.

Submissions (2):

Labcorp Genetics (formerly Invitae), Labcorp
Classification: Uncertain significance for Multiple endocrine neoplasia, type 2. Last evaluated: 2025-01-11. Review status: criteria provided, single submitter. Criteria: Invitae Variant Classification Sherloc (09022015). Collection method: clinical testing. Allele origin: germline.
Comment: This sequence change replaces phenylalanine, which is neutral and non-polar, with tyrosine, which is neutral and polar, at codon 258 of the RET protein (p.Phe258Tyr). This variant is not present in population databases (gnomAD no frequency). This variant has not been reported in the literature in individuals affected with RET-related conditions. ClinVar contains an entry for this variant (Variation ID: 2801337). An algorithm developed to predict the effect of missense changes on protein structure and function (PolyPhen-2) suggests that this variant is likely to be tolerated. In summary, the available evidence is currently insufficient to determine the role of this variant in disease. Therefore, it has been classified as a Variant of Uncertain Significance.

Ambry Genetics
Classification: Uncertain significance for Hereditary cancer-predisposing syndrome. Last evaluated: 2024-02-25. Review status: criteria provided, single submitter. Criteria: Ambry Variant Classification Scheme 2023. Collection method: clinical testing. Allele origin: germline.
Comment: The p.F258Y variant (also known as c.773T>A), located in coding exon 4 of the RET gene, results from a T to A substitution at nucleotide position 773. The phenylalanine at codon 258 is replaced by tyrosine, an amino acid with highly similar properties. This amino acid position is conserved. In addition, the in silico prediction for this alteration is inconclusive. Based on the available evidence, the clinical significance of this alteration remains unclear.